The following is an entry in ClinVar:

ClinVar aggregate classification (germline): Uncertain significance (1 of 4 stars; one submission).

Conditions:
Wilson disease (WND). Also called: Wilson's disease. Identifiers: Orphanet 905, MedGen C0019202, MONDO:0010200, OMIM 277900. Disease mechanism: loss of function.

Submission:

All of Us Research Program, National Institutes of Health
Classification: Uncertain significance for Wilson disease. Last evaluated: 2024-04-16. Review status: criteria provided, single submitter. Criteria: ACMG Guidelines, 2015. Collection method: clinical testing. Allele origin: germline. Inheritance: Autosomal recessive inheritance. Observed: 2 variant alleles, 2 heterozygotes.
Comment: This missense variant replaces valine with methionine at codon 903 of the ATP7B protein. Computational prediction suggests that this variant may have deleterious impact on protein structure and function (internally defined REVEL score threshold >= 0.7, PMID: 27666373). To our knowledge, functional studies have not been reported for this variant. This variant has not been reported in individuals affected with ATP7B-related disorders in the literature. This variant has not been identified in the general population by the Genome Aggregation Database (gnomAD). The available evidence is insufficient to determine the role of this variant in disease conclusively. Therefore, this variant is classified as a Variant of Uncertain Significance.

This study involves interpretation of variants in research participants for the purpose of population health screening. Participant phenotype was not available at the time of variant classification. Additional details can be found in publication PMID: 35346344, PMCID: PMC8962531

NM_000053.4(ATP7B):c.2707G>A (p.Val903Met)

Gene: ATP7B (ATPase copper transporting beta; minus strand). Cytogenetic location: 13q14.3.
Variant type: single nucleotide variant.
Coding change: c.2707G>A on transcript NM_000053.4 (MANE Select); coding-DNA position 2707, G replaced by A.
Protein change: p.Val903Met; replaces valine 903 with methionine.
Molecular consequence: missense variant.
Genome position (GRCh38, 1-based): chr13:51,950,030, C>T on the plus strand (G>A on the coding strand, the complement: ATP7B is on the minus strand). VCF-style: chr13-51950030-C-T. GRCh37 (hg19) VCF-style: chr13-52524166-C-T.
Other names: c.2221G>A, p.Val741Met (NM_001005918.3, NM_001406541.1, NM_001406542.1 and 1 more transcripts); c.2374G>A, p.Val792Met (NM_001243182.2); c.2473G>A, p.Val825Met (NM_001330578.2, NM_001406538.1, NM_001406527.1 and 2 more transcripts); c.2455G>A, p.Val819Met (NM_001330579.2, NM_001406540.1, NM_001406531.1 and 1 more transcripts); c.2707G>A, p.Val903Met (NM_001406511.1, NM_001406512.1, NM_001406513.1 and 7 more transcripts); c.2674G>A, p.Val892Met (NM_001406514.1); c.2611G>A, p.Val871Met (NM_001406517.1, NM_001406518.1); c.2563G>A, p.Val855Met (NM_001406520.1, NM_001406521.1, NM_001406522.1 and 1 more transcripts); and 8 more; short protein forms V473M, V687M, V709M, V741M, V760M, V787M, V792M, V793M.
Identifiers: ClinVar variation 3071959 (VCV003071959.2), dbSNP rs2547669965, ClinGen allele CA388034195.